The following is an entry in ClinVar:

NM_006009.4(TUBA1A):c.698A>G (p.Gln233Arg)

Gene: TUBA1A (tubulin alpha 1a; minus strand). Cytogenetic location: 12q13.12.
Variant type: single nucleotide variant.
Coding change: c.698A>G on transcript NM_006009.4 (MANE Select); coding-DNA position 698, A replaced by G.
Protein change: p.Gln233Arg; replaces glutamine 233 with arginine.
Molecular consequence: missense variant.
Genome position (GRCh38, 1-based): chr12:49,185,668, T>C on the plus strand (A>G on the coding strand, the complement: TUBA1A is on the minus strand). VCF-style: chr12-49185668-T-C. GRCh37 (hg19) VCF-style: chr12-49579451-T-C.
Other names: c.698A>G, p.Gln233Arg (NM_001270399.2); c.593A>G, p.Gln198Arg (NM_001270400.2); short protein forms Q233R, Q198R.
Identifiers: ClinVar variation 160162 (VCV000160162.7), dbSNP rs587784492, ClinGen allele CA213275.

ClinVar aggregate classification (germline): Likely pathogenic. Review status: criteria provided, multiple submitters, no conflicts (2 of 4 stars). 2 submissions from 2 submitters: Likely pathogenic (2). Last evaluated 2018-07-01.

Conditions:
Tubulinopathy. Also called: Tubulinopathies. Identifiers: MedGen CN850169, MONDO:0100153.
Lissencephaly due to TUBA1A mutation (CDCBM16). Also called: CORTICAL DYSPLASIA, COMPLEX, WITH OTHER BRAIN MALFORMATIONS 16; Lissencephaly 3. Identifiers: Orphanet 171680, MedGen C4305153, MONDO:0012703, OMIM 611603.

Submissions (2):

Institute of Human Genetics, FAU Erlangen, Friedrich-Alexander-Universität Erlangen-Nürnberg
Classification: Likely pathogenic for Tubulinopathies. Last evaluated: 2018-07-01. Review status: criteria provided, single submitter. Criteria: ACMG Guidelines, 2015. Collection method: literature only. Allele origin: germline. Affected: yes. Observed: 1 variant allele.
Comment: The c.698A>G, p.(Gln233Arg) variant has been reported as a variant of germline/unknown origin.

Genetic Services Laboratory, University of Chicago
Classification: Likely pathogenic for Lissencephaly 3. Last evaluated: 2013-02-08. Review status: criteria provided, single submitter. Criteria: ACMG Guidelines, 2007. Collection method: clinical testing. Allele origin: germline. Inheritance: Autosomal dominant inheritance. Affected: yes.

Literature cited by the submitters: PubMed 30744660 (cited by Institute of Human Genetics, FAU Erlangen, Friedrich-Alexander-Universität Erlangen-Nürnberg); DOI 10.1101/427948 (cited by Institute of Human Genetics, FAU Erlangen, Friedrich-Alexander-Universität Erlangen-Nürnberg).